The following is an entry in ClinVar:

NM_001130987.2(DYSF):c.1033+2T>C

Gene: DYSF (dysferlin; plus strand). Cytogenetic location: 2p13.2.
Variant type: single nucleotide variant.
Coding change: c.1033+2T>C on transcript NM_001130987.2 (MANE Select); the canonical splice donor site of the intron after coding-DNA position 1033, T replaced by C.
Molecular consequence: splice donor variant.
Genome position (GRCh38, 1-based): chr2:71,520,210, T>C. VCF-style: chr2-71520210-T-C. GRCh37 (hg19) VCF-style: chr2-71747340-T-C.
Other names: c.1030+2T>C (NM_001130979.2, NM_001130981.2, NM_001130980.2); c.937+2T>C (NM_001130978.2, NM_003494.4, NM_001130977.2 and 1 more transcripts); c.1033+2T>C (NM_001130982.2, NM_001130985.2); c.940+2T>C (NM_001130983.2, NM_001130455.2, NM_001130984.2 and 1 more transcripts).
Identifiers: ClinVar variation 283412 (VCV000283412.6), dbSNP rs886042617, ClinGen allele CA10604480.

ClinVar aggregate classification (germline): Pathogenic/Likely pathogenic. Review status: criteria provided, multiple submitters, no conflicts (2 of 4 stars). 2 submissions from 2 submitters: Pathogenic (1); Likely pathogenic (1). Last evaluated 2023-06-22.

Conditions:
Autosomal recessive limb-girdle muscular dystrophy type 2B (LGMDR2). Also called: MUSCULAR DYSTROPHY, LIMB-GIRDLE, AUTOSOMAL RECESSIVE 2; Limb-Girdle Muscular Dystrophy Type 2B (LGMD2B); Limb-girdle muscular dystrophy, type 2B; MUSCULAR DYSTROPHY, LIMB-GIRDLE, TYPE 3. Identifiers: Orphanet 268, MedGen C1850889, MONDO:0009676, OMIM 253601.

Submissions (2):

Neuberg Centre For Genomic Medicine, NCGM
Classification: Likely pathogenic for Autosomal recessive limb-girdle muscular dystrophy type 2B. Last evaluated: 2023-06-22. Review status: criteria provided, single submitter. Criteria: ACMG Guidelines, 2015. Collection method: clinical testing. Allele origin: germline. Inheritance: Autosomal recessive inheritance. Affected: yes.
Comment: The invariant splice donor variant c.1033+2T>C in DYSF gene has not been reported previously as a pathogenic variant nor as a benign variant, to our knowledge. The c.1033+2T>C variant is absent in gnomAD Exomes. This variant has been reported to the ClinVar database as Pathogenic. Loss of function variants have been previously reported to be disease causing. Additional functional studies are required to prove pathogenicity of the variant. For these reasons, this variant has been classified as Likely Pathogenic.

Eurofins Ntd Llc (ga)
Classification: Pathogenic. Last evaluated: 2015-10-06. Review status: criteria provided, single submitter. Criteria: EGL Classification Definitions 2015. Collection method: clinical testing. Allele origin: germline. Observed: 1 variant allele, 1 homozygote.